The following is an entry in ClinVar:

ClinVar aggregate classification (germline): Likely benign (1 of 4 stars; one submission).

Allele frequency attached by ClinVar (database versions not stated): TOPMed 0.00001.

Submission:

CeGaT Center for Human Genetics Tuebingen
Classification: Likely benign. Last evaluated: 2022-12-01. Review status: criteria provided, single submitter. Criteria: CeGaT Center For Human Genetics Tuebingen Variant Classification Criteria Version 2. Collection method: clinical testing. Allele origin: germline. Affected: yes. Observed: 1 variant allele.
Comment: ZNF732: PM2:Supporting, BP4, BP7

NM_001137608.3(ZNF732):c.132T>C (p.Gly44=)

Gene: ZNF732 (zinc finger protein 732; minus strand). Cytogenetic location: 4p16.3.
Variant type: single nucleotide variant.
Coding change: c.132T>C on transcript NM_001137608.3 (MANE Select); coding-DNA position 132, T replaced by C.
Protein change: p.Gly44=; no amino-acid change (glycine 44 retained).
Molecular consequence: synonymous variant.
Genome position (GRCh38, 1-based): chr4:295,532, A>G on the plus strand (T>C on the coding strand, the complement: ZNF732 is on the minus strand). VCF-style: chr4-295532-A-G. GRCh37 (hg19) VCF-style: chr4-289321-A-G.
Identifiers: ClinVar variation 2654524 (VCV002654524.24), dbSNP rs1719929591, ClinGen allele CA437866982.